The following is an entry in ClinVar:

NM_018669.6(WDR4):c.390G>T (p.Ser130=)

Gene: WDR4 (WDR4 tRNA N7-guanosine methyltransferase non-catalytic subunit; minus strand). Cytogenetic location: 21q22.3.
Variant type: single nucleotide variant.
Coding change: c.390G>T on transcript NM_018669.6 (MANE Select); coding-DNA position 390, G replaced by T.
Protein change: p.Ser130=; no amino-acid change (serine 130 retained).
Molecular consequence: synonymous variant. On other transcripts: 5 prime UTR variant (3), non-coding transcript variant (1).
Genome position (GRCh38, 1-based): chr21:42,863,503, C>A on the plus strand (G>T on the coding strand, the complement: WDR4 is on the minus strand). VCF-style: chr21-42863503-C-A. GRCh37 (hg19) VCF-style: chr21-44283613-C-A.
Other names: c.390G>T, p.Ser130= (NM_001260474.2, NM_033661.5); c.-49G>T (NM_001260475.2, NM_001260476.2, NM_001260477.2 and 1 more transcripts).
Identifiers: ClinVar variation 2057319 (VCV002057319.9), dbSNP rs766380003, ClinGen allele CA10046143.

ClinVar aggregate classification (germline): Likely benign. Review status: criteria provided, multiple submitters, no conflicts (2 of 4 stars). 2 submissions from 2 submitters: Likely benign (2). Last evaluated 2025-12-01.

Submissions (2):

CeGaT Center for Human Genetics Tuebingen
Classification: Likely benign. Last evaluated: 2025-12-01. Review status: criteria provided, single submitter. Criteria: CeGaT Center For Human Genetics Tuebingen Variant Classification Criteria Version 2. Collection method: clinical testing. Allele origin: germline. Affected: yes. Observed: 1 variant allele.
Comment: WDR4: BP4, BP7

Labcorp Genetics (formerly Invitae), Labcorp
Classification: Likely benign. Last evaluated: 2024-04-25. Review status: criteria provided, single submitter. Criteria: Invitae Variant Classification Sherloc (09022015). Collection method: clinical testing. Allele origin: germline.